The following is an entry in ClinVar:

ClinVar aggregate classification (germline): Uncertain significance. Review status: criteria provided, multiple submitters, no conflicts (2 of 4 stars). 2 submissions from 2 submitters: Uncertain significance (2). Last evaluated 2023-01-31.

Allele frequency attached by ClinVar (database versions not stated): ExAC 0.00001; gnomAD 0.00001; TOPMed 0.00001; gnomAD exomes 0.00002.
gnomAD v4.1: 25 of 1,612,470 alleles (0.0016%); highest among the groups gnomAD compares: Middle Eastern, 0.017%; no homozygotes.

Submissions (2):

GeneDx
Classification: Uncertain significance. Last evaluated: 2023-01-31. Review status: criteria provided, single submitter. Criteria: GeneDx Variant Classification Process June 2021. Collection method: clinical testing. Allele origin: germline. Affected: yes.
Comment: In silico analysis supports that this missense variant does not alter protein structure/function; Has not been previously published as pathogenic or benign to our knowledge

Labcorp Genetics (formerly Invitae), Labcorp
Classification: Uncertain significance. Last evaluated: 2022-04-07. Review status: criteria provided, single submitter. Criteria: Invitae Variant Classification Sherloc (09022015). Collection method: clinical testing. Allele origin: germline.
Comment: In summary, the available evidence is currently insufficient to determine the role of this variant in disease. Therefore, it has been classified as a Variant of Uncertain Significance. Advanced modeling of protein sequence and biophysical properties (such as structural, functional, and spatial information, amino acid conservation, physicochemical variation, residue mobility, and thermodynamic stability) performed at Invitae indicates that this missense variant is not expected to disrupt WFS1 protein function. This variant has not been reported in the literature in individuals affected with WFS1-related conditions. This variant is present in population databases (rs765260306, gnomAD 0.007%). This sequence change replaces glutamic acid, which is acidic and polar, with lysine, which is basic and polar, at codon 209 of the WFS1 protein (p.Glu209Lys).

NM_006005.3(WFS1):c.625G>A (p.Glu209Lys)

Gene: WFS1 (wolframin ER transmembrane glycoprotein; plus strand). Cytogenetic location: 4p16.1.
Variant type: single nucleotide variant.
Coding change: c.625G>A on transcript NM_006005.3 (MANE Select); coding-DNA position 625, G replaced by A.
Protein change: p.Glu209Lys; replaces glutamic acid 209 with lysine.
Molecular consequence: missense variant.
Genome position (GRCh38, 1-based): chr4:6,291,361, G>A. VCF-style: chr4-6291361-G-A. GRCh37 (hg19) VCF-style: chr4-6293088-G-A.
Other names: c.625G>A, p.Glu209Lys (NM_001145853.1); short protein forms E209K.
Identifiers: ClinVar variation 1420179 (VCV001420179.8), dbSNP rs765260306, ClinGen allele CA2838954.